The following is an entry in ClinVar:

ClinVar aggregate classification (germline): Likely pathogenic (1 of 4 stars; one submission).

Conditions:
Carnitine palmitoyl transferase 1A deficiency. Also called: CPT I DEFICIENCY; CPT DEFICIENCY, HEPATIC, TYPE I; Carnitine palmitoyltransferase type I deficiency; CPT deficiency, hepatic, type IA; Carnitine palmitoyltransferase 1A deficiency. Identifiers: Orphanet 156, MedGen C1829703, MONDO:0009705, OMIM 255120.

Submission:

Natera, Inc.
Classification: Likely pathogenic for Carnitine palmitoyltransferase type I deficiency. Last evaluated: 2024-12-27. Review status: criteria provided, single submitter. Criteria: Natera Variant Classification Schema (03/2026). Collection method: clinical testing. Allele origin: germline.
Comment: The c.2201T>C variant in CPT1A is a missense variant predicted to cause substitution of phenylalanine to serine at amino acid 734. This variant is rare in the general population with a frequency below the threshold expected for the associated phenotype(s). This variant has been observed in one or more individuals affected with the associated recessive disease, as either homozygous or compound heterozygous with a second variant (PMID: 39086449, 34869124, 34233743). Computational prediction algorithms indicate this variant is likely to affect gene or protein function. Given the available evidence, this variant is classified as Likely Pathogenic.

Literature cited by the submitters: PubMed 39086449; PubMed 34869124; PubMed 34233743.

NM_001876.4(CPT1A):c.2201T>C (p.Phe734Ser)

Gene: CPT1A (carnitine palmitoyltransferase 1A; minus strand). Cytogenetic location: 11q13.3.
Variant type: single nucleotide variant.
Coding change: c.2201T>C on transcript NM_001876.4 (MANE Select); coding-DNA position 2201, T replaced by C.
Protein change: p.Phe734Ser; replaces phenylalanine 734 with serine.
Molecular consequence: missense variant. On other transcripts: intron variant (1).
Genome position (GRCh38, 1-based): chr11:68,759,603, A>G on the plus strand (T>C on the coding strand, the complement: CPT1A is on the minus strand). VCF-style: chr11-68759603-A-G. GRCh37 (hg19) VCF-style: chr11-68527071-A-G.
Other names: c.2201T>C, p.Phe734Ser (NM_001031847.3, NM_001440358.1, NM_001440359.1 and 1 more transcripts); c.2093T>C, p.Phe698Ser (NM_001440363.1); c.2048T>C, p.Phe683Ser (NM_001440364.1); c.2015T>C, p.Phe672Ser (NM_001440365.1); c.2142+622T>C (NM_001440362.1); short protein forms F672S, F683S, F698S, F734S.
Identifiers: ClinVar variation 4814976 (VCV004814976.1).